The following is an entry in ClinVar:

ClinVar aggregate classification (germline): Benign. Review status: criteria provided, multiple submitters, no conflicts (2 of 4 stars). 9 submissions from 9 submitters: Benign (6). 3 of the submissions do not count toward it. Last evaluated 2026-02-04.

Conditions:
Diabetes insipidus, nephrogenic, autosomal (NDI2). Also called: Nephrogenic Diabetes Insipidus, Type II; Diabetes insipidus, nephrogenic, 2, autosomal. Identifiers: Orphanet 223, MedGen C1563706, MONDO:0007451, OMIM 125800.
Nephrogenic diabetes insipidus. Identifiers: Orphanet 223, MedGen C0162283, MONDO:0016383, HP:0009806.

Allele frequency attached by ClinVar (database versions not stated): 1000 Genomes Project 30x 0.66693; 1000 Genomes Project 0.66713; ESP Exome Variant Server 0.69330; TOPMed 0.70167; gnomAD 0.70780 and 0.70980; ExAC 0.75927; gnomAD exomes 0.76569 and 0.79146.

Submissions (9):

Labcorp Genetics (formerly Invitae), Labcorp
Classification: Benign. Last evaluated: 2026-02-04. Review status: criteria provided, single submitter. Criteria: Invitae Variant Classification Sherloc (09022015). Collection method: clinical testing. Allele origin: germline.

Blueprint Genetics
Classification: Benign. Last evaluated: 2024-11-27. Review status: criteria provided, single submitter. Criteria: ACMG Guidelines, 2015. Collection method: clinical testing. Allele origin: germline.

Fulgent Genetics
Classification: Benign for Diabetes insipidus, nephrogenic, autosomal. Last evaluated: 2021-08-09. Review status: criteria provided, single submitter. Criteria: ACMG Guidelines, 2015. Collection method: clinical testing. Allele origin: unknown.

Genome-Nilou Lab
Classification: Benign for Diabetes insipidus, nephrogenic, autosomal. Last evaluated: 2021-07-10. Review status: criteria provided, single submitter. Criteria: ACMG Guidelines, 2015. Collection method: clinical testing. Allele origin: germline. Affected: no.

Laboratory for Molecular Medicine, Mass General Brigham Personalized Medicine
Classification: Benign. Last evaluated: 2016-03-21. Review status: criteria provided, single submitter. Criteria: LMM Criteria. Collection method: clinical testing. Allele origin: germline. Observed: 1 variant allele.
Comment: p.Ser167Ser in exon 2 of AQP2: This variant is not expected to have clinical sig nificance because it does not alter an amino acid residue, is not located within the splice consensus sequence, and has been identified in 88.04% (10065/11432) of Latino chromosomes by the Exome Aggregation Consortium (ExAC; dbSNP rs426496).

Breakthrough Genomics
Classification: Benign. Review status: criteria provided, single submitter. Criteria: ACMG Guidelines, 2015. Collection method: not provided. Allele origin: germline. Inheritance: Autosomal dominant inheritance. Affected: yes.

Natera, Inc.
Classification: Benign for Nephrogenic diabetes insipidus. Last evaluated: 2019-11-18. Review status: no assertion criteria provided. Collection method: clinical testing. Allele origin: germline. Not counted in ClinVar's aggregate classification.

Diagnostic Laboratory, Department of Genetics, University Medical Center Groningen
Classification: Benign. Review status: no assertion criteria provided. Collection method: clinical testing. Allele origin: germline. Affected: yes. Study: VKGL Data-share Consensus. Not counted in ClinVar's aggregate classification.

Genome Diagnostics Laboratory, University Medical Center Utrecht
Classification: Benign. Review status: no assertion criteria provided. Collection method: clinical testing. Allele origin: germline. Affected: yes. Study: VKGL Data-share Consensus. Not counted in ClinVar's aggregate classification.

NM_000486.6(AQP2):c.501T>C (p.Ser167=)

Genes: AQP2 (aquaporin 2; plus strand), AQP5-AS1 (AQP5 and AQP2 antisense RNA 2; minus strand). Cytogenetic location: 12q13.12.
Variant type: single nucleotide variant.
Coding change: c.501T>C on transcript NM_000486.6 (MANE Select); coding-DNA position 501, T replaced by C.
Protein change: p.Ser167=; no amino-acid change (serine 167 retained).
Molecular consequence: synonymous variant. On other transcripts: non-coding transcript variant (1).
Genome position (GRCh38, 1-based): chr12:49,954,295, T>C. VCF-style: chr12-49954295-T-C. GRCh37 (hg19) VCF-style: chr12-50348078-T-C.
Identifiers: ClinVar variation 504917 (VCV000504917.24), dbSNP rs426496, ClinGen allele CA6559258.